The following is an entry in ClinVar:

ClinVar aggregate classification (germline): Likely pathogenic (1 of 4 stars; one submission).

Submission:

Quest Diagnostics Nichols Institute San Juan Capistrano
Classification: Likely pathogenic. Last evaluated: 2023-04-24. Review status: criteria provided, single submitter. Criteria: ACMG/ClinGen CNV Guidelines, 2019. Collection method: clinical testing. Allele origin: unknown.
Comment: This copy number gain of 16p13.11 involves multiple protein-coding genes and confers susceptibility to a range of neurodevelopmental disorders and increased risk for cardiovascular disease (Allach El Khattabi et al., J Med Genet. 2018 Oct 4. Pii: jmedgenet-2018-105389. PMID: 30287593). Similar duplications are repeatedly observed in uncharacterized controls and in unaffected relatives (Ullmann R et al., Hum Mutat. 2007 Jul;28(7):674-82.PMID: 17480035; Hannes FD et al., J Med Genet. 2009 Apr;46(4):223-32. PMID: 18550696). However, the duplication is enriched in patients versus controls in multiple case-control studies (Coe et al., Nat Genet. 2014 Oct;46(10):1063-71., PMID: 25217958; Girirajan et al., N Engl J Med. 2012 Oct 4;367(14):1321-31., PMID: 22970919), with some exceptions (Kaminsky et al., Genet Med. 2011 Sep;13(9):777-84., PMID: 21844811). Thus, the clinical significance of this copy number variant (CNV) is likely pathogenic, with variable expressivity and incomplete penetrance.

GRCh37/hg19 16p13.11(chr16:15058820-16328840)x3

Genes: ABCC1 (ATP binding cassette subfamily C member 1 (ABCC1 blood group); plus strand), ABCC6 (ATP binding cassette subfamily C member 6; minus strand), BMERB1 (bMERB domain containing 1; plus strand), CEP20 (centrosomal protein 20; minus strand), MARF1 (meiosis regulator and mRNA stability factor 1; minus strand) and 8 more. Cytogenetic location: 16p13.11.
Variant type: copy number gain.
Change: copy number 3 (three copies instead of two) of chr16:15,058,820-16,328,840 (1.27 Mb, GRCh37 coordinates, 1-based), cytogenetic band 16p13.11.
Identifiers: ClinVar variation 980076 (VCV000980076.2).